The following is an entry in ClinVar:

NM_001326411.2(PISD):c.538G>A (p.Val180Ile)

Gene: PISD (phosphatidylserine decarboxylase; minus strand). Cytogenetic location: 22q12.2.
Variant type: single nucleotide variant.
Coding change: c.538G>A on transcript NM_001326411.2 (MANE Select); coding-DNA position 538, G replaced by A.
Protein change: p.Val180Ile; replaces valine 180 with isoleucine.
Molecular consequence: missense variant.
Genome position (GRCh38, 1-based): chr22:31,621,669, C>T on the plus strand (G>A on the coding strand, the complement: PISD is on the minus strand). VCF-style: chr22-31621669-C-T. GRCh37 (hg19) VCF-style: chr22-32017655-C-T.
Other names: c.475G>A, p.Val159Ile (NM_001326412.1, NM_001326413.2, NM_001326414.2); c.436G>A, p.Val146Ile (NM_001326415.2, NM_001326416.2, NM_001326417.2 and 3 more transcripts); c.358G>A, p.Val120Ile (NM_001326418.2, NM_001326420.2); c.538G>A, p.Val180Ile (NM_001326421.1); c.436G>A (NM_014338.3); short protein forms V146I, V159I, V120I, V180I.
Identifiers: ClinVar variation 1404593 (VCV001404593.4), dbSNP rs200180449, ClinGen allele CA10194776.

ClinVar aggregate classification (germline): Uncertain significance. Review status: criteria provided, multiple submitters, no conflicts (2 of 4 stars). 2 submissions from 2 submitters: Uncertain significance (2). Last evaluated 2023-06-29.

Conditions:
Inborn genetic diseases. Identifiers: MedGen C0950123, MeSH D030342.

Allele frequency attached by ClinVar (database versions not stated): gnomAD 0.00001 and 0.00003; TOPMed 0.00006; ExAC 0.00009; gnomAD exomes 0.00009; 1000 Genomes Project 30x 0.00016; 1000 Genomes Project 0.00020.

Submissions (2):

Ambry Genetics
Classification: Uncertain significance for Inborn genetic diseases. Last evaluated: 2023-06-29. Review status: criteria provided, single submitter. Criteria: Ambry Variant Classification Scheme 2023. Collection method: clinical testing. Allele origin: germline.

Labcorp Genetics (formerly Invitae), Labcorp
Classification: Uncertain significance. Last evaluated: 2022-03-26. Review status: criteria provided, single submitter. Criteria: Invitae Variant Classification Sherloc (09022015). Collection method: clinical testing. Allele origin: germline.
Comment: This sequence change replaces valine, which is neutral and non-polar, with isoleucine, which is neutral and non-polar, at codon 180 of the PISD protein (p.Val180Ile). This variant is present in population databases (rs200180449, gnomAD 0.1%). This variant has not been reported in the literature in individuals affected with PISD-related conditions. Algorithms developed to predict the effect of missense changes on protein structure and function are either unavailable or do not agree on the potential impact of this missense change (SIFT: "Not Available"; PolyPhen-2: "Benign"; Align-GVGD: "Not Available"). In summary, the available evidence is currently insufficient to determine the role of this variant in disease. Therefore, it has been classified as a Variant of Uncertain Significance.